The following is an entry in ClinVar:

NM_000521.4(HEXB):c.445+236T>C

Gene: HEXB (hexosaminidase subunit beta; plus strand). Cytogenetic location: 5q13.3.
Variant type: single nucleotide variant.
Coding change: c.445+236T>C on transcript NM_000521.4 (MANE Select); 236 bases into the intron after coding-DNA position 445, T replaced by C.
Molecular consequence: intron variant.
Genome position (GRCh38, 1-based): chr5:74,689,709, T>C. VCF-style: chr5-74689709-T-C. GRCh37 (hg19) VCF-style: chr5-73985534-T-C.
Other names: c.-231+236T>C (NM_001292004.2).
Identifiers: ClinVar variation 681700 (VCV000681700.2), dbSNP rs820889, ClinGen allele CA15391002.

ClinVar aggregate classification (germline): Benign. Review status: criteria provided, multiple submitters, no conflicts (2 of 4 stars). 2 submissions from 2 submitters: Benign (2). Last evaluated 2018-06-19.

Allele frequency attached by ClinVar (database versions not stated): 1000 Genomes Project 30x 0.86946; 1000 Genomes Project 0.87380; TOPMed 0.89366; gnomAD 0.90194 and 0.90414; gnomAD exomes 0.91042.
gnomAD v4.1: 500,076 of 550,844 alleles (91%); highest among the groups gnomAD compares: Non-Finnish European, 92%; 227,288 homozygotes.

Submissions (2):

GeneDx
Classification: Benign. Last evaluated: 2018-06-19. Review status: criteria provided, single submitter. Criteria: GeneDx Variant Classification (06012015). Collection method: clinical testing. Allele origin: germline. Affected: yes.
Comment: This variant is considered likely benign or benign based on one or more of the following criteria: it is a conservative change, it occurs at a poorly conserved position in the protein, it is predicted to be benign by multiple in silico algorithms, and/or has population frequency not consistent with disease.

Breakthrough Genomics
Classification: Benign. Review status: criteria provided, single submitter. Criteria: ACMG Guidelines, 2015. Collection method: not provided. Allele origin: germline. Inheritance: Autosomal recessive inheritance. Affected: yes.